The following is an entry in ClinVar:

NM_014112.5(TRPS1):c.3784C>T (p.Gln1262Ter)

Gene: TRPS1 (transcriptional repressor GATA binding 1; minus strand). Cytogenetic location: 8q23.3.
Variant type: single nucleotide variant.
Coding change: c.3784C>T on transcript NM_014112.5 (MANE Select); coding-DNA position 3784, C replaced by T.
Protein change: p.Gln1262Ter; replaces glutamine 1262 with a stop codon.
Molecular consequence: nonsense.
Genome position (GRCh38, 1-based): chr8:115,414,124, G>A on the plus strand (C>T on the coding strand, the complement: TRPS1 is on the minus strand). VCF-style: chr8-115414124-G-A. GRCh37 (hg19) VCF-style: chr8-116426352-G-A.
Other names: c.3757C>T, p.Gln1253Ter (NM_001282902.3); c.3763C>T, p.Gln1255Ter (NM_001282903.3); c.3745C>T, p.Gln1249Ter (NM_001330599.2); short protein forms Q1262*, Q1255*, Q1253*, Q1249*.
Identifiers: ClinVar variation 420782 (VCV000420782.2), dbSNP rs1064794697, ClinGen allele CA16618582.

ClinVar aggregate classification (germline): Likely pathogenic (1 of 4 stars; one submission).

Submission:

GeneDx
Classification: Likely pathogenic. Last evaluated: 2016-03-22. Review status: criteria provided, single submitter. Criteria: GeneDx Variant Classification (06012015). Collection method: clinical testing. Allele origin: germline. Affected: yes.
Comment: The Q1262X variant in the TRPS1 gene has not been reported previously as a pathogenic variant nor as a benign variant, to our knowledge. This variant is predicted to cause loss of normal protein function through protein truncation. Numerous residues removed by this variant are conserved across species and are a part of the transcriptional repressor domain that encompasses a double Ikaros-type zinc finger motif (Malik et al., 2001). The Q1262X variant was not observed in approximately 6200 individuals of European and African American ancestry in the NHLBI Exome Sequencing Project, indicating it is not a common benign variant in these populations. The Q1262X variant is a strong candidate for a pathogenic variant, however, the possibility it may be a rare benign variant cannot be excluded.